The following is an entry in ClinVar:

ClinVar aggregate classification (germline): Uncertain significance (1 of 4 stars; one submission).

Conditions:
Ayme-Gripp syndrome. Also called: Aymé-Gripp Syndrome. Identifiers: MedGen C1832812, MONDO:0010992, OMIM 601088.
Cataract 21 multiple types. Also called: CATARACT 21, MULTIPLE TYPES, WITH MICROCORNEA; CATARACT 21, CERULEAN, WITH OR WITHOUT MICROCORNEA; Cataract, congenital, cerulean type, 4; CATARACT 21, MULTIPLE TYPES, WITH OR WITHOUT MICROCORNEA. Identifiers: Orphanet 91492, MedGen C1857768, MONDO:0012437, OMIM 610202.

Submission:

Labcorp Genetics (formerly Invitae), Labcorp
Classification: Uncertain significance for Cataract 21 multiple types; Ayme-Gripp syndrome. Last evaluated: 2022-06-06. Review status: criteria provided, single submitter. Criteria: Invitae Variant Classification Sherloc (09022015). Collection method: clinical testing. Allele origin: germline.
Comment: This sequence change replaces tyrosine, which is neutral and polar, with cysteine, which is neutral and slightly polar, at codon 301 of the MAF protein (p.Tyr301Cys). This variant is not present in population databases (gnomAD no frequency). This variant has not been reported in the literature in individuals affected with MAF-related conditions. Algorithms developed to predict the effect of missense changes on protein structure and function are either unavailable or do not agree on the potential impact of this missense change (SIFT: "Deleterious"; PolyPhen-2: "Probably Damaging"; Align-GVGD: "Class C0"). In summary, the available evidence is currently insufficient to determine the role of this variant in disease. Therefore, it has been classified as a Variant of Uncertain Significance.

NM_005360.5(MAF):c.902A>G (p.Tyr301Cys)

Gene: MAF (MAF bZIP transcription factor; minus strand). Cytogenetic location: 16q23.2.
Variant type: single nucleotide variant.
Coding change: c.902A>G on transcript NM_005360.5 (MANE Select); coding-DNA position 902, A replaced by G.
Protein change: p.Tyr301Cys; replaces tyrosine 301 with cysteine.
Molecular consequence: missense variant.
Genome position (GRCh38, 1-based): chr16:79,599,001, T>C on the plus strand (A>G on the coding strand, the complement: MAF is on the minus strand). VCF-style: chr16-79599001-T-C. GRCh37 (hg19) VCF-style: chr16-79632898-T-C.
Other names: c.902A>G, p.Tyr301Cys (NM_001031804.3); short protein forms Y301C.
Identifiers: ClinVar variation 2000538 (VCV002000538.4), dbSNP rs2507654850, ClinGen allele CA396534988.